The following is an entry in ClinVar:

ClinVar aggregate classification (germline): Conflicting classifications of pathogenicity. Review status: criteria provided, conflicting classifications (1 of 4 stars). 2 submissions from 2 submitters: Uncertain significance (1); Likely benign (1). Last evaluated 2024-07-31.

Conditions:
DPYD-related disorder. Also called: DPYD-related condition.

gnomAD v4.1: 59 of 1,613,222 alleles (0.0037%); highest among the groups gnomAD compares: East Asian, 0.13%; no homozygotes.

Submissions (2):

Women's Health and Genetics/Laboratory Corporation of America, LabCorp
Classification: Likely benign. Last evaluated: 2024-07-31. Review status: criteria provided, single submitter. Criteria: LabCorp Variant Classification Summary - May 2015. Collection method: clinical testing. Allele origin: germline.
Comment: Variant summary: DPYD c.2678A>G (p.Asn893Ser) results in a conservative amino acid change in the encoded protein sequence. Five of five in-silico tools predict a benign effect of the variant on protein function. The variant allele was found at a frequency of 3.7e-05 in 1606262 control chromosomes, predominantly at a frequency of 0.0013 within the East Asian subpopulation in the gnomAD database (v4.1 dataset). In addition, the variant was reported with an allele frequency of 0.0022 (i.e. 235 / 108520 alleles; no homozygotes), in healthy Japanese individuals in the jMorp database (PMID: 33179747). This frequency is close to the estimated maximum expected for a pathogenic variant in DPYD causing Dihydropyrimidine Dehydrogenase Deficiency (0.0025), suggesting that the variant might be benign. The variant, c.2678A>G, has been reported in the literature in Japanese individuals (e.g. Maekawa_2007), and at least two colon cancer patients were described who did not develop severe fluoropyrimidine-related toxicities (Kanai_2023). Publications also reported experimental evidence evaluating an impact on protein function, and demonstrated that the variant resulted in a mild decrease in enzyme activity, corresponding to about 80% residual activity relative to the WT (Offer_2013), while a later study found that the variant N893S exhibited significantly lower activity, corresponding to ~62.8% of the WT (Hishinuma_2018). The following publications have been ascertained in the context of this evaluation (PMID: 17828463, 36524458, 23328581, 29769267, 29152729). No submitters have cited clinical-significance assessments for this variant to ClinVar. Based on the evidence outlined above, the variant was classified as likely benign.

Department of Pathology and Laboratory Medicine, Sinai Health System
Classification: Uncertain significance for DPYD-related condition. Last evaluated: 2022-05-09. Review status: criteria provided, single submitter. Criteria: ACMG Guidelines, 2015. Collection method: research. Allele origin: germline.

Literature cited by the submitters: PubMed 23328581 (cited by Women's Health and Genetics/Laboratory Corporation of America, LabCorp); PubMed 17828463 (cited by Women's Health and Genetics/Laboratory Corporation of America, LabCorp); PubMed 29152729 (cited by Women's Health and Genetics/Laboratory Corporation of America, LabCorp); PubMed 29769267 (cited by Women's Health and Genetics/Laboratory Corporation of America, LabCorp); PubMed 36524458 (cited by Women's Health and Genetics/Laboratory Corporation of America, LabCorp).

NM_000110.4(DPYD):c.2678A>G (p.Asn893Ser)

Genes: DPYD (dihydropyrimidine dehydrogenase; minus strand), DPYD-AS1 (DPYD antisense RNA 1; plus strand). Cytogenetic location: 1p21.3.
Variant type: single nucleotide variant.
Coding change: c.2678A>G on transcript NM_000110.4 (MANE Select); coding-DNA position 2678, A replaced by G.
Protein change: p.Asn893Ser; replaces asparagine 893 with serine.
Molecular consequence: missense variant.
Genome position (GRCh38, 1-based): chr1:97,098,577, T>C on the plus strand (A>G on the coding strand, the complement: DPYD is on the minus strand). VCF-style: chr1-97098577-T-C. GRCh37 (hg19) VCF-style: chr1-97564133-T-C.
Other names: short protein forms N893S.
Identifiers: ClinVar variation 3339417 (VCV003339417.2).